The following is an entry in ClinVar:

ClinVar aggregate classification (germline): Uncertain significance (1 of 4 stars; one submission).

Conditions:
CHARGE syndrome (CHARGE). Also called: Coloboma, heart anomaly, choanal atresia, retardation, genital and ear anomalies; CHARGE association; Hall-Hittner syndrome; Hittner Hirsch Kreh syndrome; CHARGE ASSOCIATION--COLOBOMA, HEART ANOMALY, CHOANAL ATRESIA, RETARDATION, GENITAL AND EAR ANOMALIES. Identifiers: Orphanet 138, MedGen C0265354, MONDO:0008965.

Submission:

Labcorp Genetics (formerly Invitae), Labcorp
Classification: Uncertain significance for CHARGE syndrome. Last evaluated: 2023-07-17. Review status: criteria provided, single submitter. Criteria: Invitae Variant Classification Sherloc (09022015). Collection method: clinical testing. Allele origin: germline.
Comment: In summary, the available evidence is currently insufficient to determine the role of this variant in disease. Therefore, it has been classified as a Variant of Uncertain Significance. Advanced modeling of protein sequence and biophysical properties (such as structural, functional, and spatial information, amino acid conservation, physicochemical variation, residue mobility, and thermodynamic stability) performed at Invitae indicates that this missense variant is not expected to disrupt CHD7 protein function. ClinVar contains an entry for this variant (Variation ID: 1506943). This variant has not been reported in the literature in individuals affected with CHD7-related conditions. This variant is not present in population databases (gnomAD no frequency). This sequence change replaces alanine, which is neutral and non-polar, with threonine, which is neutral and polar, at codon 2867 of the CHD7 protein (p.Ala2867Thr).

NM_017780.4(CHD7):c.8599G>A (p.Ala2867Thr)

Gene: CHD7 (chromodomain helicase DNA binding protein 7; plus strand). Cytogenetic location: 8q12.2.
Variant type: single nucleotide variant.
Coding change: c.8599G>A on transcript NM_017780.4 (MANE Select); coding-DNA position 8599, G replaced by A.
Protein change: p.Ala2867Thr; replaces alanine 2867 with threonine.
Molecular consequence: missense variant.
Genome position (GRCh38, 1-based): chr8:60,865,538, G>A. VCF-style: chr8-60865538-G-A. GRCh37 (hg19) VCF-style: chr8-61778097-G-A.
Other names: c.2452G>A, p.Ala818Thr (NM_001316690.1); short protein forms A818T, A2867T.
Identifiers: ClinVar variation 1506943 (VCV001506943.6), dbSNP rs2129766536, ClinGen allele CA371310701.